The following is an entry in ClinVar:

ClinVar aggregate classification (germline): Uncertain significance (1 of 4 stars; one submission).

gnomAD v4.1: 5 of 1,613,312 alleles (0.00031%); highest among the groups gnomAD compares: Non-Finnish European, 0.00042%; no homozygotes.

Submission:

GeneDx
Classification: Uncertain significance. Last evaluated: 2019-08-23. Review status: criteria provided, single submitter. Criteria: GeneDx Variant Classification Process June 2021. Collection method: clinical testing. Allele origin: germline. Affected: yes.
Comment: Not observed in large population cohorts (Lek et al., 2016); In silico analysis, which includes protein predictors and evolutionary conservation, supports a deleterious effect; Has not been previously published as pathogenic or benign to our knowledge

NM_004380.3(CREBBP):c.3927C>G (p.Asp1309Glu)

Gene: CREBBP (CREB binding protein; minus strand). Cytogenetic location: 16p13.3.
Variant type: single nucleotide variant.
Coding change: c.3927C>G on transcript NM_004380.3 (MANE Select); coding-DNA position 3927, C replaced by G.
Protein change: p.Asp1309Glu; replaces aspartic acid 1309 with glutamic acid.
Molecular consequence: missense variant.
Genome position (GRCh38, 1-based): chr16:3,744,949, G>C on the plus strand (C>G on the coding strand, the complement: CREBBP is on the minus strand). VCF-style: chr16-3744949-G-C. GRCh37 (hg19) VCF-style: chr16-3794950-G-C.
Other names: c.3813C>G, p.Asp1271Glu (NM_001079846.1); short protein forms D1271E, D1309E.
Identifiers: ClinVar variation 1214378 (VCV001214378.3), dbSNP rs2151354158, ClinGen allele CA394566672.
Genomic context (GRCh38, chr16:3,744,949, plus strand): 5'-CTTACTCTTAGCACTGAATTTGTTTTCTTTTCGAGGTCTGCCAGTTTTCTTCAAGCAGTT[G>C]TCGCACACAAAACTGCAAAATAATAGTGGTATGATGAGACTGTATATAATGATGTAAATT-3'
Protein context (NP_004371.2, residues 1299-1319): DIIWPSGFVC[Asp1309Glu]NCLKKTGRPR